The following is an entry in ClinVar:

NM_058004.4(PI4KA):c.3861del (p.Cys1288fs)

Gene: PI4KA (phosphatidylinositol 4-kinase alpha; minus strand). Cytogenetic location: 22q11.21.
Variant type: Deletion.
Coding change: c.3861del on transcript NM_058004.4 (MANE Select); coding-DNA position 3861, one base deleted (C; older notation c.3861delC).
Protein change: p.Cys1288fs; shifts the reading frame from cysteine 1288.
Molecular consequence: frameshift variant.
Genome position (GRCh38, 1-based): chr22:20,734,434, G deleted on the plus strand (C on the coding strand, the reverse complement: PI4KA is on the minus strand); the first of 3 consecutive G bases (chr22:20,734,434-20,734,436); deleting any one gives the same sequence. VCF-style (leftmost placement, unchanged base first): chr22-20734433-AG-A. GRCh37 (hg19) VCF-style: chr22-21088721-AG-A.
Other names: c.3768del, p.Cys1257fs (NM_001362862.2); c.3795del, p.Cys1266fs (NM_001362863.2); short protein forms C1257fs, C1266fs, C1288fs.
Identifiers: ClinVar variation 4886529 (VCV004886529.2).

ClinVar aggregate classification (germline): Likely pathogenic (1 of 4 stars; one submission).

Submission:

Dasa
Classification: Likely pathogenic. Last evaluated: 2026-02-11. Review status: criteria provided, single submitter. Criteria: DASA Assertion Criteria. Collection method: clinical testing. Allele origin: germline.
Comment: NM_058004.4(PI4KA):c.3861del (p.Cys1288Valfs*5) is a frameshift variant in PI4KA predicted to alter the reading frame and introduce a premature termination codon and is predicted to result in an absent or altered protein product. Loss of function is an established disease mechanism for PI4KA-associated disorders. Also, this variant is rare in population databases. Based on the currently available evidence, this variant is classified as likely pathogenic.